The following is an entry in ClinVar:

NC_012920.1(MT-TA):m.5591G>A

Gene: MT-TA (mitochondrially encoded tRNA alanine; minus strand).
Variant type: single nucleotide variant.
Genome position: chrM-5591-G-A.
Other names: 5591G-A.
Identifiers: ClinVar variation 9625 (VCV000009625.5), dbSNP rs121434458, ClinGen allele CA254845.

ClinVar aggregate classification (germline): Uncertain significance. Review status: reviewed by expert panel (3 of 4 stars). 4 submissions from 4 submitters: Uncertain significance (1). 3 of the submissions do not count toward it. Last evaluated 2024-03-11.

Conditions:
Mitochondrial disease. Also called: Mitochondrial disorder; Mitochondrial disorders. Identifiers: Orphanet 68380, MedGen C0751651, MeSH D028361, MONDO:0044970.
Inborn mitochondrial myopathy. Also called: Mitochondrial myopathy; Mitochondrial Myopathies. Identifiers: Orphanet 206966, MedGen C0162670, MONDO:0009637, HP:0003737.
MELAS syndrome (MELAS). Also called: Juvenile myopathy, encephalopathy, lactic acidosis, stroke. Identifiers: Orphanet 550, MedGen C0162671, MONDO:0010789, OMIM 540000.

Submissions (4):

ClinGen Mitochondrial Disease Nuclear and Mitochondrial  Variant Curation Expert Panel, ClinGen
Classification: Uncertain significance for Mitochondrial disease. Last evaluated: 2024-03-11. Review status: reviewed by expert panel. Criteria: clingen mito disease acmg specifications v1-1. Collection method: curation. Allele origin: germline. Inheritance: Mitochondrial inheritance.
Comment: The m.5591G>A variant in MT-TA has been reported in one individual with primary mitochondrial disease (PMIDs: 16476954, 29139113). Muscle biopsy noted COX deficient fibers, increased subsarcolemmal mitochondrial accumulation, and electron transport chain complexes I, III, and IV deficiency. Heteroplasmy ranged from 79% (blood) to >99% (hair shaft). This variant segregated with disease manifestations in this family as an unaffected younger brother had the variant present at 67% heteroplasmy in urine and an unaffected older brother had undetectable levels of the variant in urine (PP1_moderate; PMID: 16476954). There are no reported de novo occurrences of this variant to our knowledge. This variant is absent in the GenBank dataset, Helix dataset, and gnomAD v3.1.2 (PM2_supporting). The computational predictor MitoTIP suggests this variant is pathogenic (68.6 percentile) and HmtVAR predicts it to be pathogenic score of 1 (PP3). Single fiber testing showed higher levels of the variant in COX-negative fibers (99.5%) than in COX-positive fibers (72.3%), p 0.0001 (PS3_supporting, PMID: 16476954). In summary, this variant meets criteria to be classified as uncertain significance for primary mitochondrial disease inherited in a mitochondrial manner. We note that two experts on this panel felt likely pathogenic was a more appropriate classification given the functional evidence of impact however the majority agreed with uncertain significance. This classification was approved by the NICHD/NINDS U24 ClinGen Mitochondrial Disease Variant Curation Expert Panel on March 11, 2024. Mitochondrial DNA-specific ACMG/AMP criteria applied (PMID: 32906214): PP1_moderate, PS3_supporting, PP3, PM2_supporting.

Mendelics
Classification: Pathogenic for Mitochondrial disease. Last evaluated: 2022-05-04. Review status: criteria provided, single submitter. Criteria: Mendelics Assertion Criteria 2019. Collection method: clinical testing. Allele origin: germline. Not counted in ClinVar's aggregate classification.

Wong Mito Lab, Molecular and Human Genetics, Baylor College of Medicine
Classification: Pathogenic for MELAS syndrome. Last evaluated: 2019-07-12. Review status: criteria provided, single submitter. Criteria: Modified ACMG Guidelines (Unpublished). Collection method: clinical testing. Allele origin: germline. Not counted in ClinVar's aggregate classification.
Comment: The NC_012920.1:m.5591G>A variant in MT-TA gene is interpreted to be a Pathogenic variant based on the modified ACMG guidelines (unpublished). This variant meets the following evidence codes reported in the guidelines: PS3, PM8, PM9, PP3, PP6

OMIM
Classification: Pathogenic for MITOCHONDRIAL MYOPATHY. Last evaluated: 2006-02-14. Review status: no assertion criteria provided. Collection method: literature only. Allele origin: germline. Not counted in ClinVar's aggregate classification.

Literature cited by the submitters: PubMed 16476954 (cited by 3 submitters); PubMed 31965079 (cited by Wong Mito Lab, Molecular and Human Genetics, Baylor College of Medicine); PubMed 19718780 (cited by Wong Mito Lab, Molecular and Human Genetics, Baylor College of Medicine).